The following is an entry in ClinVar:

NM_004656.4(BAP1):c.932-9_932-8del

Gene: BAP1 (BRCA1 associated deubiquitinase 1; minus strand). Cytogenetic location: 3p21.1.
Variant type: Deletion.
Coding change: c.932-9_932-8del on transcript NM_004656.4 (MANE Select); 9 bases into the intron before coding-DNA position 932 through 8 bases into the intron before coding-DNA position 932, 2 bases deleted (CT; older notation c.932-9_932-8delCT).
Molecular consequence: intron variant.
Genome position (GRCh38, 1-based): chr3:52,405,302-52,405,303, AG deleted on the plus strand (CT on the coding strand, the reverse complement: BAP1 is on the minus strand). VCF-style (leftmost placement, unchanged base first): chr3-52405301-CAG-C. GRCh37 (hg19) VCF-style: chr3-52439317-CAG-C.
Identifiers: ClinVar variation 1135637 (VCV001135637.10), dbSNP rs773809939, ClinGen allele CA2436949.

ClinVar aggregate classification (germline): Benign/Likely benign. Review status: criteria provided, multiple submitters, no conflicts (2 of 4 stars). 3 submissions from 3 submitters: Benign (1); Likely benign (2). Last evaluated 2025-12-03.

Conditions:
Hereditary cancer-predisposing syndrome. Also called: Hereditary neoplastic syndrome; Hereditary Cancer Syndrome; Tumor predisposition; Neoplastic Syndromes, Hereditary. Identifiers: Orphanet 140162, MedGen C0027672, MeSH D009386, MONDO:0015356.
BAP1-related tumor predisposition syndrome (TPDS1). Also called: BAP1 tumor predisposition syndrome; COMMON Syndrome; TUMOR PREDISPOSITION SYNDROME 1; Tumor susceptibility linked to germline BAP1 mutations. Identifiers: Orphanet 289539, MedGen C3280492, MONDO:0013692, OMIM 614327.

Allele frequency attached by ClinVar (database versions not stated): ExAC 0.00001; gnomAD exomes 0.00001 and 0.00002; TOPMed 0.00002; ESP Exome Variant Server 0.00008.

Submissions (3):

Labcorp Genetics (formerly Invitae), Labcorp
Classification: Likely benign for BAP1-related tumor predisposition syndrome. Last evaluated: 2025-12-03. Review status: criteria provided, single submitter. Criteria: Invitae Variant Classification Sherloc (09022015). Collection method: clinical testing. Allele origin: germline.

Myriad Genetics, Inc.
Classification: Benign for BAP1-related tumor predisposition syndrome. Last evaluated: 2024-07-15. Review status: criteria provided, single submitter. Criteria: Myriad Autosomal Dominant, Autosomal Recessive and X-Linked Classification Criteria (2023). Collection method: clinical testing. Allele origin: unknown.
Comment: This variant is considered benign. This variant is intronic and is not expected to impact mRNA splicing. This variant has been observed at a population frequency that is significantly greater than expected given the associated disease prevalence and penetrance.

Color Diagnostics, LLC DBA Color Health
Classification: Likely benign for Hereditary cancer-predisposing syndrome. Last evaluated: 2022-05-10. Review status: criteria provided, single submitter. Criteria: ACMG Guidelines, 2015. Collection method: clinical testing. Allele origin: germline.